The following is an entry in ClinVar:

ClinVar aggregate classification (germline): Uncertain significance. Review status: criteria provided, multiple submitters, no conflicts (2 of 4 stars). 3 submissions from 3 submitters: Uncertain significance (3). Last evaluated 2024-08-20.

Conditions:
Inborn genetic diseases. Identifiers: MedGen C0950123, MeSH D030342.
Epidermolysis bullosa simplex 3, localized or generalized intermediate, with BP230 deficiency (EBS3). Also called: Epidermolysis bullosa simplex, autosomal recessive 2; Epidermolysis bullosa simplex due to BP230 deficiency. Identifiers: Orphanet 412181, MedGen C3809470, MONDO:0014180, OMIM 615425.
Hereditary sensory and autonomic neuropathy type 6. Also called: Neuropathy, hereditary sensory and autonomic, type VI; HSAN VI. Identifiers: Orphanet 314381, MedGen C3539003, MONDO:0013839, OMIM 614653.

Allele frequency attached by ClinVar (database versions not stated): gnomAD exomes 0.00004; ExAC 0.00005; TOPMed 0.00006; gnomAD 0.00007 and 0.00008; ESP Exome Variant Server 0.00008; 1000 Genomes Project 30x 0.00031; 1000 Genomes Project 0.00040.
gnomAD v4.1: 170 of 1,595,758 alleles (0.011%); highest among the groups gnomAD compares: Middle Eastern, 0.017%; no homozygotes.

Submissions (3):

Labcorp Genetics (formerly Invitae), Labcorp
Classification: Uncertain significance for Epidermolysis bullosa simplex 3, localized or generalized intermediate, with BP230 deficiency; Hereditary sensory and autonomic neuropathy type 6. Last evaluated: 2024-08-20. Review status: criteria provided, single submitter. Criteria: Invitae Variant Classification Sherloc (09022015). Collection method: clinical testing. Allele origin: germline.
Comment: The DST gene has multiple clinically relevant transcripts. This variant occurs in alternate transcript NM_015548.4, and corresponds to NM_001723.5:c.*78710A>G in the primary transcript. This sequence change replaces asparagine, which is neutral and polar, with serine, which is neutral and polar, at codon 2958 of the DST protein (p.Asn2958Ser). This variant is present in population databases (rs201488187, gnomAD 0.02%). This variant has not been reported in the literature in individuals affected with DST-related conditions. An algorithm developed to predict the effect of missense changes on protein structure and function outputs the following: PolyPhen-2: "Not Available". The serine amino acid residue is found in multiple mammalian species, which suggests that this missense change does not adversely affect protein function. In summary, the available evidence is currently insufficient to determine the role of this variant in disease. Therefore, it has been classified as a Variant of Uncertain Significance.

Mayo Clinic Laboratories, Mayo Clinic
Classification: Uncertain significance. Last evaluated: 2023-07-18. Review status: criteria provided, single submitter. Criteria: ACMG Guidelines, 2015. Collection method: clinical testing. Allele origin: germline. Observed: 1 variant allele.
Comment: BP4, PM2_moderate

Ambry Genetics
Classification: Uncertain significance for Inborn genetic diseases. Last evaluated: 2022-12-08. Review status: criteria provided, single submitter. Criteria: Ambry Variant Classification Scheme 2023. Collection method: clinical testing. Allele origin: germline.

NM_001374736.1(DST):c.16742A>G (p.Asn5581Ser)

Gene: DST (dystonin; minus strand). Cytogenetic location: 6p12.1.
Variant type: single nucleotide variant.
Coding change: c.16742A>G on transcript NM_001374736.1 (MANE Select); coding-DNA position 16742, A replaced by G.
Protein change: p.Asn5581Ser; replaces asparagine 5581 with serine.
Molecular consequence: missense variant.
Genome position (GRCh38, 1-based): chr6:56,536,807, T>C on the plus strand (A>G on the coding strand, the complement: DST is on the minus strand). VCF-style: chr6-56536807-T-C. GRCh37 (hg19) VCF-style: chr6-56401605-T-C.
Other names: p.Asn2958Ser; c.10385A>G, p.Asn3462Ser (NM_001144769.5); c.9971A>G, p.Asn3324Ser (NM_001144770.2); c.16742A>G, p.Asn5581Ser (NM_001374722.1); c.16109A>G, p.Asn5370Ser (NM_001374729.1); c.9851A>G, p.Asn3284Ser (NM_001374730.1, NM_183380.4); c.16769A>G, p.Asn5590Ser (NM_001374734.1); c.8873A>G, p.Asn2958Ser (NM_015548.5); short protein forms N3324S, N5370S, N2958S, N3284S, N5590S, N3462S, N5581S.
Identifiers: ClinVar variation 968656 (VCV000968656.11), dbSNP rs201488187, ClinGen allele CA3867609.